The following is an entry in ClinVar:

ClinVar aggregate classification (germline): Uncertain significance (1 of 4 stars; one submission).

Conditions:
Deficiency of alpha-mannosidase (MANSA). Also called: LYSOSOMAL ALPHA-D-MANNOSIDASE DEFICIENCY; Alpha-Mannosidosis; Mannosidosis, alpha-, types I and II. Identifiers: Orphanet 61, MedGen C0024748, MONDO:0009561, OMIM 248500.

Allele frequency attached by ClinVar (database versions not stated): ExAC 0.00001; gnomAD 0.00001; gnomAD exomes 0.00001; 1000 Genomes Project 30x 0.00016; 1000 Genomes Project 0.00020.

Submission:

Labcorp Genetics (formerly Invitae), Labcorp
Classification: Uncertain significance for Deficiency of alpha-mannosidase. Last evaluated: 2022-06-15. Review status: criteria provided, single submitter. Criteria: Invitae Variant Classification Sherloc (09022015). Collection method: clinical testing. Allele origin: germline.
Comment: This sequence change replaces glutamine, which is neutral and polar, with arginine, which is basic and polar, at codon 224 of the MAN2B1 protein (p.Gln224Arg). This variant is present in population databases (rs544498759, gnomAD 0.01%). This variant has not been reported in the literature in individuals affected with MAN2B1-related conditions. Algorithms developed to predict the effect of missense changes on protein structure and function are either unavailable or do not agree on the potential impact of this missense change (SIFT: "Tolerated"; PolyPhen-2: "Probably Damaging"; Align-GVGD: "Class C0"). In summary, the available evidence is currently insufficient to determine the role of this variant in disease. Therefore, it has been classified as a Variant of Uncertain Significance.

NM_000528.4(MAN2B1):c.671A>G (p.Gln224Arg)

Gene: MAN2B1 (mannosidase alpha class 2B member 1; minus strand). Cytogenetic location: 19p13.13.
Variant type: single nucleotide variant.
Coding change: c.671A>G on transcript NM_000528.4 (MANE Select); coding-DNA position 671, A replaced by G.
Protein change: p.Gln224Arg; replaces glutamine 224 with arginine.
Molecular consequence: missense variant.
Genome position (GRCh38, 1-based): chr19:12,663,795, T>C on the plus strand (A>G on the coding strand, the complement: MAN2B1 is on the minus strand). VCF-style: chr19-12663795-T-C. GRCh37 (hg19) VCF-style: chr19-12774609-T-C.
Other names: c.671A>G, p.Gln224Arg (NM_001173498.2); short protein forms Q224R.
Identifiers: ClinVar variation 2189993 (VCV002189993.1), dbSNP rs544498759, ClinGen allele CA9226735.